The following is an entry in ClinVar:

NM_001256317.3(TMPRSS3):c.147dup (p.Pro50fs)

Gene: TMPRSS3 (transmembrane serine protease 3; minus strand). Cytogenetic location: 21q22.3.
Variant type: Duplication.
Coding change: c.147dup on transcript NM_001256317.3 (MANE Select); coding-DNA position 147, one base duplicated (T; older notation c.147dupT).
Protein change: p.Pro50fs; shifts the reading frame from proline 50.
Molecular consequence: frameshift variant.
Genome position (GRCh38, 1-based): chr21:42,389,985, A duplicated on the plus strand (T on the coding strand, the reverse complement: TMPRSS3 is on the minus strand); the first of 6 consecutive A bases (chr21:42,389,985-42,389,990); duplicating any one gives the same sequence. VCF-style (leftmost placement, unchanged base first): chr21-42389984-G-GA. GRCh37 (hg19) VCF-style: chr21-43810093-G-GA.
Other names: c.147dup, p.Pro50fs (NM_024022.4, NM_032405.2); short protein forms P50fs.
Identifiers: ClinVar variation 1185654 (VCV001185654.4), dbSNP rs2146452391, ClinGen allele CA645601841.
Genomic context (GRCh38, chr21:42,389,984, plus strand): 5'-CACTGCCCAGACCAATGGCCAGTGCTAATATCAATGCAATGATCCCAATGACGATGATTG[G>GA]AAAAAACTTCAATGGCAGCAGTGACAGGATCTGTGCAGCAACAGCATCTGCATCTGAAAA-3'

ClinVar aggregate classification (germline): Pathogenic. Review status: criteria provided, single submitter (1 of 4 stars). 2 submissions from 2 submitters: Pathogenic (1). 1 of the submissions does not count toward it. Last evaluated 2024-01-31.

Conditions:
Autosomal recessive nonsyndromic hearing loss 8 (DFNB8). Also called: NEUROSENSORY NONSYNDROMIC RECESSIVE DEAFNESS 8; Deafness, autosomal recessive 10. Identifiers: Orphanet 90636, MedGen C1832827, MONDO:0010987, OMIM 601072.

Submissions (2):

Labcorp Genetics (formerly Invitae), Labcorp
Classification: Pathogenic. Last evaluated: 2024-01-31. Review status: criteria provided, single submitter. Criteria: Invitae Variant Classification Sherloc (09022015). Collection method: clinical testing. Allele origin: germline.
Comment: This sequence change creates a premature translational stop signal (p.Pro50Serfs*35) in the TMPRSS3 gene. It is expected to result in an absent or disrupted protein product. Loss-of-function variants in TMPRSS3 are known to be pathogenic (PMID: 16021470, 26969326). This variant is not present in population databases (gnomAD no frequency). This premature translational stop signal has been observed in individual(s) with deafness (PMID: 32306631). ClinVar contains an entry for this variant (Variation ID: 1185654). For these reasons, this variant has been classified as Pathogenic.

Deafness Molecular Diagnostic Center, Chinese PLA General Hospital
Classification: Pathogenic for Autosomal recessive nonsyndromic hearing loss 8. Review status: no assertion criteria provided. Criteria: ACMG Guidelines, 2015. Collection method: case-control. Allele origin: paternal. Affected: yes. Not counted in ClinVar's aggregate classification.

Literature cited by the submitters: PubMed 16021470 (cited by Labcorp Genetics (formerly Invitae), Labcorp); PubMed 26969326 (cited by Labcorp Genetics (formerly Invitae), Labcorp); PubMed 32306631 (cited by Labcorp Genetics (formerly Invitae), Labcorp).